The following is an entry in ClinVar:

NM_000090.4(COL3A1):c.3353C>T (p.Pro1118Leu)

Gene: COL3A1 (collagen type III alpha 1 chain; plus strand). Cytogenetic location: 2q32.2.
Variant type: single nucleotide variant.
Coding change: c.3353C>T on transcript NM_000090.4 (MANE Select); coding-DNA position 3353, C replaced by T.
Protein change: p.Pro1118Leu; replaces proline 1118 with leucine.
Molecular consequence: missense variant.
Genome position (GRCh38, 1-based): chr2:189,007,597, C>T. VCF-style: chr2-189007597-C-T. GRCh37 (hg19) VCF-style: chr2-189872323-C-T.
Other names: short protein forms P1118L.
Identifiers: ClinVar variation 2895668 (VCV002895668.4), dbSNP rs745746358, ClinGen allele CA076035.

ClinVar aggregate classification (germline): Uncertain significance. Review status: criteria provided, multiple submitters, no conflicts (2 of 4 stars). 2 submissions from 2 submitters: Uncertain significance (2). Last evaluated 2026-03-24.

Conditions:
Ehlers-Danlos syndrome, type 4 (EDSVASC). Also called: Ehlers-Danlos syndrome vascular type; Ehlers Danlos syndrome, ecchymotic type; Ehlers Danlos syndrome, arterial type; Ehlers Danlos syndrome, Sack-Barabas type; Ehlers-Danlos Syndrome Type IV. Identifiers: Orphanet 286, MedGen C0268338, MONDO:0017314, OMIM 130050.

Allele frequency attached by ClinVar (database versions not stated): gnomAD exomes below 0.00001; ExAC 0.00001; gnomAD 0.00001.
gnomAD v4.1: 3 of 1,611,430 alleles (0.00019%); highest among the groups gnomAD compares: Middle Eastern, 0.033%; no homozygotes.

Submissions (2):

GeneDx
Classification: Uncertain significance. Last evaluated: 2026-03-24. Review status: criteria provided, single submitter. Criteria: GeneDx Variant Classification Process June 2021. Collection method: clinical testing. Allele origin: germline.
Comment: Not observed at significant frequency in large population cohorts (gnomAD); In silico analysis supports that this missense variant has a deleterious effect on protein structure/function; Has not been previously published as pathogenic or benign to our knowledge; Occurs in the triple helical domain at the X position in the canonical Gly-X-Y repeat; although this variant may have an effect on normal protein folding and function, missense substitution at the X position is not a common mechanism of disease (HGMD)

Labcorp Genetics (formerly Invitae), Labcorp
Classification: Uncertain significance for Ehlers-Danlos syndrome, type 4. Last evaluated: 2023-10-09. Review status: criteria provided, single submitter. Criteria: Invitae Variant Classification Sherloc (09022015). Collection method: clinical testing. Allele origin: germline.
Comment: This sequence change replaces proline, which is neutral and non-polar, with leucine, which is neutral and non-polar, at codon 1118 of the COL3A1 protein (p.Pro1118Leu). This variant is not present in population databases (gnomAD no frequency). This variant has not been reported in the literature in individuals affected with COL3A1-related conditions. Advanced modeling of protein sequence and biophysical properties (such as structural, functional, and spatial information, amino acid conservation, physicochemical variation, residue mobility, and thermodynamic stability) has been performed at Invitae for this missense variant, however the output from this modeling did not meet the statistical confidence thresholds required to predict the impact of this variant on COL3A1 protein function. In summary, the available evidence is currently insufficient to determine the role of this variant in disease. Therefore, it has been classified as a Variant of Uncertain Significance.